The following is an entry in ClinVar:

NM_000093.5(COL5A1):c.2646+1G>A

Gene: COL5A1 (collagen type V alpha 1 chain; plus strand). Cytogenetic location: 9q34.3.
Variant type: single nucleotide variant.
Coding change: c.2646+1G>A on transcript NM_000093.5 (MANE Select); the canonical splice donor site of the intron after coding-DNA position 2646, G replaced by A.
Molecular consequence: splice donor variant.
Genome position (GRCh38, 1-based): chr9:134,786,049, G>A. VCF-style: chr9-134786049-G-A. GRCh37 (hg19) VCF-style: chr9-137677895-G-A.
Other names: c.2646+1G>A (NM_001278074.1).
Identifiers: ClinVar variation 3725802 (VCV003725802.2).

ClinVar aggregate classification (germline): Likely pathogenic (1 of 4 stars; one submission).

Conditions:
Ehlers-Danlos syndrome, classic type, 1 (EDSCL1). Also called: EHLERS-DANLOS SYNDROME, GRAVIS TYPE; EHLERS-DANLOS SYNDROME, SEVERE CLASSIC TYPE; Ehlers-Danlos syndrome, type 1; Ehlers-Danlos Syndrome, Classic Type, COL5A1-Related; EDS I. Identifiers: MedGen C0268335, MONDO:0019567, OMIM 130000.

Submission:

Labcorp Genetics (formerly Invitae), Labcorp
Classification: Likely pathogenic for Ehlers-Danlos syndrome, classic type, 1. Last evaluated: 2024-11-21. Review status: criteria provided, single submitter. Criteria: Invitae Variant Classification Sherloc (09022015). Collection method: clinical testing. Allele origin: germline.
Comment: This sequence change affects a donor splice site in intron 31 of the COL5A1 gene. It is expected to disrupt RNA splicing. Variants that disrupt the donor or acceptor splice site typically lead to a loss of protein function (PMID: 16199547), and loss-of-function variants in COL5A1 are known to be pathogenic (PMID: 23587214). This variant is not present in population databases (gnomAD no frequency). Disruption of this splice site has been observed in individual(s) with COL5A1-related conditions (internal data). Algorithms developed to predict the effect of sequence changes on RNA splicing suggest that this variant may disrupt the consensus splice site. In summary, the currently available evidence indicates that the variant is pathogenic, but additional data are needed to prove that conclusively. Therefore, this variant has been classified as Likely Pathogenic.

Literature cited by the submitters: PubMed 16199547; PubMed 23587214.